The following is an entry in ClinVar:

ClinVar aggregate classification (germline): Uncertain significance (1 of 4 stars; one submission).

Conditions:
MHC class I deficiency. Identifiers: Orphanet 34592, MedGen C6024714, MONDO:0011476.

Submission:

Labcorp Genetics (formerly Invitae), Labcorp
Classification: Uncertain significance for MHC class I deficiency 1. Last evaluated: 2020-05-20. Review status: criteria provided, single submitter. Criteria: Invitae Variant Classification Sherloc (09022015). Collection method: clinical testing. Allele origin: germline.
Comment: In summary, the available evidence is currently insufficient to determine the role of this variant in disease. Therefore, it has been classified as a Variant of Uncertain Significance. Algorithms developed to predict the effect of missense changes on protein structure and function are either unavailable or do not agree on the potential impact of this missense change (SIFT: "Deleterious"; PolyPhen-2: "Probably Damaging"; Align-GVGD: "Class C0"). This variant has not been reported in the literature in individuals with TAP1-related conditions. This variant is not present in population databases (ExAC no frequency). This sequence change replaces glycine with cysteine at codon 164 of the TAP1 protein (p.Gly164Cys). The glycine residue is moderately conserved and there is a large physicochemical difference between glycine and cysteine.

NM_000593.6(TAP1):c.310G>T (p.Gly104Cys)

Gene: TAP1 (transporter 1, ATP binding cassette subfamily B member; minus strand). Cytogenetic location: 6p21.32.
Variant type: single nucleotide variant.
Coding change: c.310G>T on transcript NM_000593.6 (MANE Select); coding-DNA position 310, G replaced by T.
Protein change: p.Gly104Cys; replaces glycine 104 with cysteine.
Molecular consequence: missense variant.
Genome position (GRCh38, 1-based): chr6:32,853,327, C>A on the plus strand (G>T on the coding strand, the complement: TAP1 is on the minus strand). VCF-style: chr6-32853327-C-A. GRCh37 (hg19) VCF-style: chr6-32821104-C-A.
Other names: short protein forms G104C.
Identifiers: ClinVar variation 1022690 (VCV001022690.8), dbSNP rs1482604401, ClinGen allele CA363582529.